The following is an entry in ClinVar:

NM_001430.5(EPAS1):c.1573G>T (p.Asp525Tyr)

Gene: EPAS1 (endothelial PAS domain protein 1; plus strand). Cytogenetic location: 2p21.
Variant type: single nucleotide variant.
Coding change: c.1573G>T on transcript NM_001430.5 (MANE Select); coding-DNA position 1573, G replaced by T.
Protein change: p.Asp525Tyr; replaces aspartic acid 525 with tyrosine.
Molecular consequence: missense variant.
Genome position (GRCh38, 1-based): chr2:46,380,245, G>T. VCF-style: chr2-46380245-G-T. GRCh37 (hg19) VCF-style: chr2-46607384-G-T.
Other names: short protein forms D525Y.
Identifiers: ClinVar variation 3777258 (VCV003777258.1).

ClinVar aggregate classification (germline): Likely pathogenic (1 of 4 stars; one submission).

Conditions:
Erythrocytosis, familial, 3 (ECYT3). Identifiers: Orphanet 247511, MedGen C1853286, MONDO:0012353, OMIM 609820.

Submission:

Clinical Genetics Laboratory, Skane University Hospital Lund
Classification: Likely pathogenic for Erythrocytosis, familial, 3. Last evaluated: 2025-04-04. Review status: criteria provided, single submitter. Criteria: ACMG Guidelines, 2015. Collection method: clinical testing. Allele origin: germline. Affected: yes.
Comment: PM1, PM2, PM5_Supp and PP3.